The following is an entry in ClinVar:

ClinVar aggregate classification (germline): Pathogenic. Review status: criteria provided, multiple submitters, no conflicts (2 of 4 stars). 3 submissions from 3 submitters: Pathogenic (2). 1 of the submissions does not count toward it. Last evaluated 2024-10-28.

Conditions:
Lethal congenital contractural syndrome Finnish type.
Lethal arthrogryposis-anterior horn cell disease syndrome (CAAHD). Also called: CONGENITAL ARTHROGRYPOSIS WITH ANTERIOR HORN CELL DISEASE. Identifiers: Orphanet 53696, MedGen C5193016, MONDO:0012750, OMIM 611890.

Allele frequency attached by ClinVar (database versions not stated): TOPMed 0.00001; gnomAD 0.00002; gnomAD exomes 0.00002.
gnomAD v4.1: 13 of 1,609,342 alleles (0.00081%); highest among the groups gnomAD compares: Non-Finnish European, 0.00051%; no homozygotes.

Submissions (3):

Natera, Inc.
Classification: Pathogenic for Lethal congenital contractural syndrome Finnish type. Last evaluated: 2024-10-28. Review status: criteria provided, single submitter. Criteria: Natera Variant Classification Schema (03/2026). Collection method: clinical testing. Allele origin: germline.
Comment: The c.1849G>A variant in GLE1 is a missense variant predicted to cause substitution of valine to methionine at amino acid 617. This variant is rare in the general population with a frequency below the threshold expected for the associated phenotype(s). This variant has been observed in one or more individuals affected with the associated recessive disease, as either homozygous or compound heterozygous with a second variant (PMID: 18204449). Computational prediction algorithms indicate this variant is likely to affect gene or protein function. Given the available evidence, this variant is classified as Pathogenic.

Women's Health and Genetics/Laboratory Corporation of America, LabCorp
Classification: Pathogenic for Lethal arthrogryposis-anterior horn cell disease syndrome. Last evaluated: 2024-09-24. Review status: criteria provided, single submitter. Criteria: LabCorp Variant Classification Summary - May 2015. Collection method: clinical testing. Allele origin: germline.
Comment: Variant summary: GLE1 c.1849G>A (p.Val617Met) results in a conservative amino acid change in the encoded protein sequence. Three of five in-silico tools predict a damaging effect of the variant on protein function. The variant allele was found at a frequency of 1.6e-05 in 251334 control chromosomes. c.1849G>A has been reported in the literature in multiple homozygous and compound heterozygous individuals affected with Lethal Arthrogryposis with Anterior Horn Cell Disease (Ellard_2015, Nousiainen_2008). These data indicate that the variant is very likely to be associated with disease. The following publications have been ascertained in the context of this evaluation (PMID: 24961629, 18204449). ClinVar contains an entry for this variant (Variation ID: 6464). Based on the evidence outlined above, the variant was classified as pathogenic.

OMIM
Classification: Pathogenic for CONGENITAL ARTHROGRYPOSIS WITH ANTERIOR HORN CELL DISEASE. Last evaluated: 2008-02-01. Review status: no assertion criteria provided. Collection method: literature only. Allele origin: germline. Not counted in ClinVar's aggregate classification.

Literature cited by the submitters: PubMed 18204449 (cited by 3 submitters); PubMed 24961629 (cited by Women's Health and Genetics/Laboratory Corporation of America, LabCorp).

NM_001003722.2(GLE1):c.1849G>A (p.Val617Met)

Genes: GLE1 (GLE1 RNA export mediator; plus strand), LOC101929270 (uncharacterized LOC101929270; minus strand). Cytogenetic location: 9q34.11.
Variant type: single nucleotide variant.
Coding change: c.1849G>A on transcript NM_001003722.2 (MANE Select); coding-DNA position 1849, G replaced by A.
Protein change: p.Val617Met; replaces valine 617 with methionine.
Molecular consequence: missense variant.
Genome position (GRCh38, 1-based): chr9:128,538,058, G>A. VCF-style: chr9-128538058-G-A. GRCh37 (hg19) VCF-style: chr9-131300337-G-A.
Other names: c.1849G>A, p.Val617Met (NM_001499.2); c.1849G>A (NM_001003722.1); short protein forms V617M.
Identifiers: ClinVar variation 6464 (VCV000006464.3), dbSNP rs121434408, ClinGen allele CA118282.
Genomic context (GRCh38, chr9:128,538,058, plus strand): 5'-GGCTTAAATCATGGATGGCGCTGGTTGGCACAGATCTTAAACATGGAGCCCTTGTCAGAT[G>A]TGACAGCCACCCTCCTCTTTGACTTCCTGGAGGTACGTAACTCAGTTATCACACAAGAGA-3'
Protein context (NP_001003722.1, residues 607-627): QILNMEPLSD[Val617Met]TATLLFDFLE